The following is an entry in ClinVar:

NM_181332.3(NLGN4X):c.59T>C (p.Met20Thr)

Gene: NLGN4X (neuroligin 4 X-linked; minus strand). Cytogenetic location: Xp22.31.
Variant type: single nucleotide variant.
Coding change: c.59T>C on transcript NM_181332.3 (MANE Select); coding-DNA position 59, T replaced by C.
Protein change: p.Met20Thr; replaces methionine 20 with threonine.
Molecular consequence: missense variant.
Genome position (GRCh38, 1-based): chrX:6,151,408, A>G on the plus strand (T>C on the coding strand, the complement: NLGN4X is on the minus strand). VCF-style: chrX-6151408-A-G. GRCh37 (hg19) VCF-style: chrX-6069449-A-G.
Other names: c.59T>C, p.Met20Thr (NM_001282145.2, NM_001282146.2, NM_020742.4); short protein forms M20T.
Identifiers: ClinVar variation 1712654 (VCV001712654.5), dbSNP rs2519423501, ClinGen allele CA412015561.

ClinVar aggregate classification (germline): Uncertain significance. Review status: criteria provided, multiple submitters, no conflicts (2 of 4 stars). 2 submissions from 2 submitters: Uncertain significance (2). Last evaluated 2022-04-25.

Conditions:
Inborn genetic diseases. Identifiers: MedGen C0950123, MeSH D030342.

Allele frequency attached by ClinVar (database versions not stated): gnomAD exomes below 0.00001.
gnomAD v4.1: 1 of 1,211,834 alleles (0.000083%); highest among the groups gnomAD compares: Non-Finnish European, 0.00011%; no homozygotes.

Submissions (2):

GeneDx
Classification: Uncertain significance. Last evaluated: 2022-04-25. Review status: criteria provided, single submitter. Criteria: GeneDx Variant Classification Process June 2021. Collection method: clinical testing. Allele origin: germline. Affected: yes.
Comment: Not observed at significant frequency in large population cohorts (gnomAD); In silico analysis supports that this missense variant does not alter protein structure/function; Has not been previously published as pathogenic or benign to our knowledge

Ambry Genetics
Classification: Uncertain significance for Inborn genetic diseases. Last evaluated: 2020-12-10. Review status: criteria provided, single submitter. Criteria: Ambry Variant Classification Scheme 2023. Collection method: clinical testing. Allele origin: germline.
Comment: The c.59T>C (p.M20T) alteration is located in exon 2 (coding exon 1) of the NLGN4X gene. This alteration results from a T to C substitution at nucleotide position 59, causing the methionine (M) at amino acid position 20 to be replaced by a threonine (T). The p.M20T alteration is predicted to be tolerated by in silico analysis. Based on insufficient or conflicting evidence, the clinical significance of this alteration remains unclear.